The following is an entry in ClinVar:

NM_002562.6(P2RX7):c.437-8C>T

Gene: P2RX7 (purinergic receptor P2X 7; plus strand). Cytogenetic location: 12q24.31.
Variant type: single nucleotide variant.
Coding change: c.437-8C>T on transcript NM_002562.6 (MANE Select); 8 bases into the intron before coding-DNA position 437, C replaced by T.
Molecular consequence: intron variant. On other transcripts: non-coding transcript variant (1).
Genome position (GRCh38, 1-based): chr12:121,162,416, C>T. VCF-style: chr12-121162416-C-T. GRCh37 (hg19) VCF-style: chr12-121600219-C-T.
Identifiers: ClinVar variation 716590 (VCV000716590.6), dbSNP rs201778812, ClinGen allele CA6833260.

ClinVar aggregate classification (germline): Benign. Review status: criteria provided, multiple submitters, no conflicts (2 of 4 stars). 3 submissions from 3 submitters: Benign (2). 1 of the submissions does not count toward it. Last evaluated 2018-06-20.

Conditions:
P2RX7-related disorder. Also called: P2RX7-related condition.

Allele frequency attached by ClinVar (database versions not stated): ESP Exome Variant Server 0.00008; gnomAD exomes 0.00018 and 0.00053; gnomAD 0.00019 and 0.00027; TOPMed 0.00029; ExAC 0.00061; 1000 Genomes Project 30x 0.00141; 1000 Genomes Project 0.00160.

Submissions (3):

Labcorp Genetics (formerly Invitae), Labcorp
Classification: Benign. Last evaluated: 2018-06-20. Review status: criteria provided, single submitter. Criteria: Invitae Variant Classification Sherloc (09022015). Collection method: clinical testing. Allele origin: germline.

Breakthrough Genomics
Classification: Benign. Review status: criteria provided, single submitter. Criteria: ACMG Guidelines, 2015. Collection method: not provided. Allele origin: germline. Inheritance: Unknown mechanism. Affected: yes.

PreventionGenetics, part of Exact Sciences
Classification: Likely benign for P2RX7-related condition. Last evaluated: 2020-11-10. Review status: no assertion criteria provided. Collection method: clinical testing. Allele origin: germline. Not counted in ClinVar's aggregate classification.
Comment: This variant is classified as likely benign based on ACMG/AMP sequence variant interpretation guidelines (Richards et al. 2015 PMID: 25741868, with internal and published modifications).